The following is an entry in ClinVar:

ClinVar aggregate classification (germline): Pathogenic. Review status: criteria provided, multiple submitters, no conflicts (2 of 4 stars). 2 submissions from 2 submitters: Pathogenic (2). Last evaluated 2024-06-07.

Conditions:
Mucopolysaccharidosis, MPS-II (MPS2). Also called: Hunter Syndrome; IDURONATE 2-SULFATASE DEFICIENCY; Mucopolysaccharidosis Type II; IDS deficiency; Sulfoiduronate sulfatase deficiency; SIDS deficiency. Identifiers: Orphanet 580, Orphanet 79388, MedGen C0026705, MONDO:0010674, OMIM 309900.

Submissions (2):

Laboratory of Diagnosis and Therapy of Lysosomal Disorders, University of Padova
Classification: Pathogenic for Mucopolysaccharidosis, MPS-II. Last evaluated: 2024-06-07. Review status: criteria provided, single submitter. Criteria: ACMG Guidelines, 2015. Collection method: literature only. Allele origin: germline. Affected: yes. Observed: 2 variant alleles.
Comment: In vitro or in vivo functional studies supportive of a damaging effect (PS3_Strong), Located in a mutational hot spot and/or critical functional domain (PM1_Moderate), Absent from controls (or at low frequency) in gnomAD database (PM2_Moderate), Missense variant in a gene with a low rate of benign missense variation (PP2_Supporting), Multiple lines of computational evidence support a deleterious effect (PP3_Supporting), Patient’s phenotype or family history highly specific for the disease (PP4_Moderate)

Classification method: ACMG Guidelines [PMID:25741868] with modifications

Laboratory of Medical Genetics, National & Kapodistrian University of Athens
Classification: Pathogenic for Mucopolysaccharidosis, MPS-II. Last evaluated: 2023-05-24. Review status: criteria provided, single submitter. Criteria: ACMG Guidelines, 2015. Collection method: clinical testing. Allele origin: germline. Affected: yes.
Comment: PS4, PM1, PM2, PM5, PP3, PP4

Literature cited by the submitters: PubMed 15614569 (cited by Laboratory of Diagnosis and Therapy of Lysosomal Disorders, University of Padova); PubMed 31877959 (cited by Laboratory of Diagnosis and Therapy of Lysosomal Disorders, University of Padova).

NM_000202.8(IDS):c.413A>G (p.His138Arg)

Gene: IDS (iduronate 2-sulfatase; minus strand). Cytogenetic location: Xq28.
Variant type: single nucleotide variant.
Coding change: c.413A>G on transcript NM_000202.8 (MANE Select); coding-DNA position 413, A replaced by G.
Protein change: p.His138Arg; replaces histidine 138 with arginine.
Molecular consequence: missense variant. On other transcripts: non-coding transcript variant (1).
Genome position (GRCh38, 1-based): chrX:149,503,317, T>C on the plus strand (A>G on the coding strand, the complement: IDS is on the minus strand). VCF-style: chrX-149503317-T-C. GRCh37 (hg19) VCF-style: chrX-148584847-T-C.
Other names: c.143A>G, p.His48Arg (NM_001166550.4); c.413A>G, p.His138Arg (NM_006123.5); short protein forms H138R, H48R.
Identifiers: ClinVar variation 2572608 (VCV002572608.3), dbSNP rs2520895106, ClinGen allele CA414525515.